The following is an entry in ClinVar:

NM_000454.5(SOD1):c.10A>G (p.Lys4Glu)

Genes: SOD1 (superoxide dismutase 1; plus strand), SOD1-DT (SOD1 divergent transcript; minus strand). Cytogenetic location: 21q22.11.
Variant type: single nucleotide variant.
Coding change: c.10A>G on transcript NM_000454.5 (MANE Select); coding-DNA position 10, A replaced by G.
Protein change: p.Lys4Glu; replaces lysine 4 with glutamic acid.
Molecular consequence: missense variant.
Genome position (GRCh38, 1-based): chr21:31,659,779, A>G. VCF-style: chr21-31659779-A-G. GRCh37 (hg19) VCF-style: chr21-33032092-A-G.
Other names: short protein forms K4E.
Identifiers: ClinVar variation 2138372 (VCV002138372.8), dbSNP rs1568807297, ClinGen allele CA410035877.
Genomic context (GRCh38, chr21:31,659,779, plus strand): 5'-GGTTTCCGTTGCAGTCCTCGGAACCAGGACCTCGGCGTGGCCTAGCGAGTTATGGCGACG[A>G]AGGCCGTGTGCGTGCTGAAGGGCGACGGCCCAGTGCAGGGCATCATCAATTTCGAGCAGA-3'
Protein context (NP_000445.1, residues 1-14): MAT[Lys4Glu]AVCVLKGDGP

ClinVar aggregate classification (germline): Pathogenic. Review status: criteria provided, multiple submitters, no conflicts (2 of 4 stars). 4 submissions from 4 submitters: Pathogenic (4). Last evaluated 2026-04-13.

Conditions:
Amyotrophic lateral sclerosis type 1 (ALS1). Also called: AMYOTROPHIC LATERAL SCLEROSIS 1, FAMILIAL. Identifiers: Orphanet 803, MedGen C1862939, MONDO:0007103, OMIM 105400.
SOD1-related disorder. Also called: SOD1-related condition.

Allele frequency attached by ClinVar (database versions not stated): gnomAD exomes below 0.00001.
gnomAD v4.1: 1 of 1,613,928 alleles (0.000062%); highest among the groups gnomAD compares: Non-Finnish European, 0.000085%; no homozygotes.

Submissions (4):

Athena Diagnostics
Classification: Pathogenic. Last evaluated: 2026-04-13. Review status: criteria provided, single submitter. Criteria: Athena Diagnostics Criteria. Collection method: clinical testing. Allele origin: unknown.
Comment: This variant has not been reported in large, multi-ethnic general populations. This variant has been identified in multiple unrelated individuals with clinical features associated with this gene. Assessment of experimental evidence suggests this variant results in abnormal protein function. (PMID: 23280792)

PreventionGenetics, part of Exact Sciences
Classification: Pathogenic for SOD1-related condition. Last evaluated: 2024-12-30. Review status: criteria provided, single submitter. Criteria: ACMG Guidelines, 2015. Collection method: clinical testing. Allele origin: germline.
Comment: The SOD1 c.10A>G variant is predicted to result in the amino acid substitution p.Lys4Glu. This variant has been reported in multiple unrelated individuals with amyotrophic lateral sclerosis (ALS, Takahashi et al. 2008. PubMed ID: 18852346; Kuźma-Kozakiewicz et al. 2013. PubMed ID: 23898858; Shibuya et al. 2020. PubMed ID: 32729725; Berdyński et al. 2022. PubMed ID: 34996976). This variant has not been reported in a large population database (gnomAD), indicating it is rare and has been classified as pathogenic in ClinVar. This variant is interpreted as pathogenic.

Labcorp Genetics (formerly Invitae), Labcorp
Classification: Pathogenic for Amyotrophic lateral sclerosis type 1. Last evaluated: 2024-08-12. Review status: criteria provided, single submitter. Criteria: Invitae Variant Classification Sherloc (09022015). Collection method: clinical testing. Allele origin: germline.
Comment: This sequence change replaces lysine, which is basic and polar, with glutamic acid, which is acidic and polar, at codon 4 of the SOD1 protein (p.Lys4Glu). This variant is not present in population databases (gnomAD no frequency). This missense change has been observed in individuals with amyotrophic lateral sclerosis (PMID: 18852346, 23898858, 32729725). This variant is also known as K3E. ClinVar contains an entry for this variant (Variation ID: 2138372). Advanced modeling of protein sequence and biophysical properties (such as structural, functional, and spatial information, amino acid conservation, physicochemical variation, residue mobility, and thermodynamic stability) performed at Invitae indicates that this missense variant is expected to disrupt SOD1 protein function with a positive predictive value of 95%. Experimental studies are conflicting or provide insufficient evidence to determine the effect of this variant on SOD1 function (PMID: 23280792). For these reasons, this variant has been classified as Pathogenic.

GeneDx
Classification: Pathogenic. Last evaluated: 2023-07-14. Review status: criteria provided, single submitter. Criteria: GeneDx Variant Classification Process June 2021. Collection method: clinical testing. Allele origin: germline. Affected: yes.
Comment: In silico analysis supports that this missense variant has a deleterious effect on protein structure/function; Published functional studies suggest a damaging effect on conformation of SOD1 proteins (Fujisawa et al., 2012); Also known as p.K3E; Not observed at significant frequency in large population cohorts (gnomAD); This variant is associated with the following publications: (PMID: 23280792, 18852346, 34996976, 32729725, 23898858)

Literature cited by the submitters: PubMed 18852346 (cited by Athena Diagnostics and Labcorp Genetics (formerly Invitae), Labcorp); PubMed 21603025 (cited by Athena Diagnostics); PubMed 23280792 (cited by Athena Diagnostics and Labcorp Genetics (formerly Invitae), Labcorp); PubMed 23898858 (cited by Athena Diagnostics and Labcorp Genetics (formerly Invitae), Labcorp); PubMed 24114411 (cited by Athena Diagnostics); PubMed 25798606 (cited by Athena Diagnostics); PubMed 32729725 (cited by Athena Diagnostics and Labcorp Genetics (formerly Invitae), Labcorp); PubMed 33630959 (cited by Athena Diagnostics); PubMed 34996976 (cited by Athena Diagnostics); PubMed 36484631 (cited by Athena Diagnostics); PubMed 39044379 (cited by Athena Diagnostics); PubMed 39502740 (cited by Athena Diagnostics).